The following is an entry in ClinVar:

NM_182961.4(SYNE1):c.274A>G (p.Ile92Val)

Gene: SYNE1 (spectrin repeat containing nuclear envelope protein 1; minus strand). Cytogenetic location: 6q25.2.
Variant type: single nucleotide variant.
Coding change: c.274A>G on transcript NM_182961.4 (MANE Select); coding-DNA position 274, A replaced by G.
Protein change: p.Ile92Val; replaces isoleucine 92 with valine.
Molecular consequence: missense variant.
Genome position (GRCh38, 1-based): chr6:152,520,494, T>C on the plus strand (A>G on the coding strand, the complement: SYNE1 is on the minus strand). VCF-style: chr6-152520494-T-C. GRCh37 (hg19) VCF-style: chr6-152841629-T-C.
Other names: c.274A>G, p.Ile92Val (NM_033071.5); short protein forms I92V.
Identifiers: ClinVar variation 838823 (VCV000838823.11), dbSNP rs756151309, ClinGen allele CA4059814.

ClinVar aggregate classification (germline): Uncertain significance (1 of 4 stars; one submission).

Conditions:
Emery-Dreifuss muscular dystrophy 4, autosomal dominant (EDMD4). Also called: EMERY-DREIFUSS MUSCULAR DYSTROPHY 4 WITH VARIABLE FEATURES. Identifiers: Orphanet 261, MedGen C2751807, MONDO:0013071, OMIM 612998.
Autosomal recessive ataxia, Beauce type. Also called: Spinocerebellar ataxia, autosomal recessive 8; ATAXIA, RECESSIVE, OF BEAUCE; SYNE1-Related Autosomal Recessive Cerebellar Ataxia; SYNE1 Deficiency. Identifiers: Orphanet 88644, MedGen C1853116, MONDO:0012549, OMIM 610743.

Allele frequency attached by ClinVar (database versions not stated): gnomAD exomes below 0.00001; TOPMed below 0.00001; ExAC 0.00001.
gnomAD v4.1: 3 of 1,613,726 alleles (0.00019%); highest among the groups gnomAD compares: East Asian, 0.0022%; no homozygotes.

Submission:

Labcorp Genetics (formerly Invitae), Labcorp
Classification: Uncertain significance for Emery-Dreifuss muscular dystrophy 4, autosomal dominant; Autosomal recessive ataxia, Beauce type. Last evaluated: 2022-07-25. Review status: criteria provided, single submitter. Criteria: Invitae Variant Classification Sherloc (09022015). Collection method: clinical testing. Allele origin: germline.
Comment: This sequence change replaces isoleucine, which is neutral and non-polar, with valine, which is neutral and non-polar, at codon 92 of the SYNE1 protein (p.Ile92Val). In summary, the available evidence is currently insufficient to determine the role of this variant in disease. Therefore, it has been classified as a Variant of Uncertain Significance. Algorithms developed to predict the effect of missense changes on protein structure and function are either unavailable or do not agree on the potential impact of this missense change (SIFT: "Deleterious"; PolyPhen-2: "Benign"; Align-GVGD: "Class C0"). ClinVar contains an entry for this variant (Variation ID: 838823). This variant has not been reported in the literature in individuals affected with SYNE1-related conditions. The frequency data for this variant in the population databases is considered unreliable, as metrics indicate poor data quality at this position in the gnomAD database.